The following is an entry in ClinVar:

NM_020207.7(ERCC6L2):c.695A>G (p.Lys232Arg)

Gene: ERCC6L2 (ERCC excision repair 6 like 2; plus strand). Cytogenetic location: 9q22.32.
Variant type: single nucleotide variant.
Coding change: c.695A>G on transcript NM_020207.7 (MANE Select); coding-DNA position 695, A replaced by G.
Protein change: p.Lys232Arg; replaces lysine 232 with arginine.
Molecular consequence: missense variant. On other transcripts: non-coding transcript variant (1).
Genome position (GRCh38, 1-based): chr9:95,907,178, A>G. VCF-style: chr9-95907178-A-G. GRCh37 (hg19) VCF-style: chr9-98669460-A-G.
Other names: c.695A>G, p.Lys232Arg (NM_001010895.4, NM_001375291.1, NM_001375292.1 and 2 more transcripts); short protein forms K232R.
Identifiers: ClinVar variation 4836816 (VCV004836816.2).

ClinVar aggregate classification (germline): Uncertain significance (1 of 4 stars; one submission).

Conditions:
Inborn genetic diseases. Identifiers: MedGen C0950123, MeSH D030342.

gnomAD v4.1: 1 of 1,613,520 alleles (0.000062%); highest among the groups gnomAD compares: African/African-American, 0.0013%; no homozygotes.

Submission:

Ambry Genetics
Classification: Uncertain significance for Inborn genetic diseases. Last evaluated: 2026-05-14. Review status: criteria provided, single submitter. Criteria: Ambry Variant Classification Scheme 2023. Collection method: clinical testing. Allele origin: germline.
Comment: The p.K232R variant (also known as c.695A>G), located in coding exon 4 of the ERCC6L2 gene, results from an A to G substitution at nucleotide position 695. The lysine at codon 232 is replaced by arginine, an amino acid with highly similar properties. This amino acid position is conserved. In addition, the in silico prediction for this alteration is inconclusive. Based on the available evidence, the clinical significance of this variant remains unclear.